The following is an entry in ClinVar:

ClinVar aggregate classification (germline): Pathogenic (1 of 4 stars; one submission).

Conditions:
Fanconi anemia (FA). Also called: Fanconi's anemia. Identifiers: Orphanet 84, MedGen C0015625, MeSH D005199, MONDO:0019391.

Submission:

Labcorp Genetics (formerly Invitae), Labcorp
Classification: Pathogenic for Fanconi anemia. Last evaluated: 2020-11-27. Review status: criteria provided, single submitter. Criteria: Invitae Variant Classification Sherloc (09022015). Collection method: clinical testing. Allele origin: germline.
Comment: For these reasons, this variant has been classified as Pathogenic. Loss-of-function variants in FANCC are known to be pathogenic (PMID: 17924555). This variant has not been reported in the literature in individuals with FANCC-related conditions. This variant is an out-of-frame deletion of the genomic region encompassing exons 8-13 of the FANCC gene. This is expected to create a premature translational stop signal and result in an absent or disrupted protein product.

Literature cited by the submitters: PubMed 17924555.

NC_000009.11:g.(?_97873735)_(97897794_?)del

Gene: FANCC (FA complementation group C; minus strand). Cytogenetic location: 9q22.32.
Variant type: Deletion.
Identifiers: ClinVar variation 1071693 (VCV001071693.5).